The following is an entry in ClinVar:

NM_000540.3(RYR1):c.13263C>T (p.Asp4421=)

Gene: RYR1 (ryanodine receptor 1; plus strand). Cytogenetic location: 19q13.2.
Variant type: single nucleotide variant.
Coding change: c.13263C>T on transcript NM_000540.3 (MANE Select); coding-DNA position 13263, C replaced by T.
Protein change: p.Asp4421=; no amino-acid change (aspartic acid 4421 retained).
Molecular consequence: synonymous variant.
Genome position (GRCh38, 1-based): chr19:38,565,597, C>T. VCF-style: chr19-38565597-C-T. GRCh37 (hg19) VCF-style: chr19-39056237-C-T.
Other names: c.13248C>T, p.Asp4416= (NM_001042723.2).
Identifiers: ClinVar variation 385222 (VCV000385222.15), dbSNP rs372411922, ClinGen allele CA16608215.
Genomic context (GRCh38, chr19:38,565,597, plus strand): 5'-AGACGCAGACGGCGAGGGTGCCAGCGAGGGCGCTGGAGACGCCGCGGAGGGCGCTGGAGA[C>T]GAGGAGGAGGCGGTGCACGAGGCCGGGCCGGGCGGTGCCGACGGGGCGGTGGCCGTGACC-3'
Protein context (NP_000531.2, residues 4411-4431): GAGDAAEGAG[Asp4421=]EEEAVHEAGP

ClinVar aggregate classification (germline): Likely benign. Review status: criteria provided, multiple submitters, no conflicts (2 of 4 stars). 4 submissions from 4 submitters: Likely benign (3). 1 of the submissions does not count toward it. Last evaluated 2025-09-15.

Conditions:
RYR1-related disorder. Also called: RYR1-related disorders; RYR1-related condition. Identifiers: MedGen CN239331.

Allele frequency attached by ClinVar (database versions not stated): gnomAD exomes 0.00006; gnomAD 0.00014 and 0.00016; 1000 Genomes Project 30x 0.00016; 1000 Genomes Project 0.00020; TOPMed 0.00023.
gnomAD v4.1: 53 of 1,458,104 alleles (0.0036%); highest among the groups gnomAD compares: African/African-American, 0.044%; 1 homozygote.

Submissions (4):

Labcorp Genetics (formerly Invitae), Labcorp
Classification: Likely benign for RYR1-related disorder. Last evaluated: 2025-09-15. Review status: criteria provided, single submitter. Criteria: Invitae Variant Classification Sherloc (09022015). Collection method: clinical testing. Allele origin: germline.

Women's Health and Genetics/Laboratory Corporation of America, LabCorp
Classification: Likely benign. Last evaluated: 2024-11-04. Review status: criteria provided, single submitter. Criteria: LabCorp Variant Classification Summary - May 2015. Collection method: clinical testing. Allele origin: germline.

GeneDx
Classification: Likely benign. Last evaluated: 2016-04-21. Review status: criteria provided, single submitter. Criteria: GeneDx Variant Classification (06012015). Collection method: clinical testing. Allele origin: germline. Affected: yes.
Comment: This variant is considered likely benign or benign based on one or more of the following criteria: it is a conservative change, it occurs at a poorly conserved position in the protein, it is predicted to be benign by multiple in silico algorithms, and/or has population frequency not consistent with disease.

PreventionGenetics, part of Exact Sciences
Classification: Likely benign for RYR1-related condition. Last evaluated: 2022-04-26. Review status: no assertion criteria provided. Collection method: clinical testing. Allele origin: germline. Not counted in ClinVar's aggregate classification.
Comment: This variant is classified as likely benign based on ACMG/AMP sequence variant interpretation guidelines (Richards et al. 2015 PMID: 25741868, with internal and published modifications).